The following is an entry in ClinVar:

NM_001018113.3(FANCB):c.445G>A (p.Ala149Thr)

Gene: FANCB (FA complementation group B; minus strand). Cytogenetic location: Xp22.2.
Variant type: single nucleotide variant.
Coding change: c.445G>A on transcript NM_001018113.3 (MANE Select); coding-DNA position 445, G replaced by A.
Protein change: p.Ala149Thr; replaces alanine 149 with threonine.
Molecular consequence: missense variant.
Genome position (GRCh38, 1-based): chrX:14,865,066, C>T on the plus strand (G>A on the coding strand, the complement: FANCB is on the minus strand). VCF-style: chrX-14865066-C-T. GRCh37 (hg19) VCF-style: chrX-14883188-C-T.
Other names: c.445G>A, p.Ala149Thr (NM_001324162.2, NM_001410764.1, NM_152633.4); short protein forms A149T.
Identifiers: ClinVar variation 2140624 (VCV002140624.4), dbSNP rs2519011855, ClinGen allele CA412444488.
Genomic context (GRCh38, chrX:14,865,066, plus strand): 5'-AGGAAAAGTTACCTGACACACTAACAACTTTGCCAGTTTGAGAAGAGATAAAGAAGAATG[C>T]TTTGACATGCCTCCATAAAATTAAAGGGCCATTAAGGACCCTTAGGCCATCCTTCATCTC-3'
Protein context (NP_001018123.1, residues 139-159): GPLILWRHVK[Ala149Thr]FFFISSQTGK

ClinVar aggregate classification (germline): Uncertain significance (1 of 4 stars; one submission).

Conditions:
Fanconi anemia (FA). Also called: Fanconi's anemia. Identifiers: Orphanet 84, MedGen C0015625, MeSH D005199, MONDO:0019391.

Submission:

Labcorp Genetics (formerly Invitae), Labcorp
Classification: Uncertain significance for Fanconi anemia. Last evaluated: 2022-10-11. Review status: criteria provided, single submitter. Criteria: Invitae Variant Classification Sherloc (09022015). Collection method: clinical testing. Allele origin: germline.
Comment: This sequence change replaces alanine, which is neutral and non-polar, with threonine, which is neutral and polar, at codon 149 of the FANCB protein (p.Ala149Thr). This variant is not present in population databases (gnomAD no frequency). In summary, the available evidence is currently insufficient to determine the role of this variant in disease. Therefore, it has been classified as a Variant of Uncertain Significance. Advanced modeling of protein sequence and biophysical properties (such as structural, functional, and spatial information, amino acid conservation, physicochemical variation, residue mobility, and thermodynamic stability) performed at Invitae indicates that this missense variant is not expected to disrupt FANCB protein function. This variant has not been reported in the literature in individuals affected with FANCB-related conditions.